The following is an entry in ClinVar:

ClinVar aggregate classification (germline): Uncertain significance (1 of 4 stars; one submission).

Conditions:
RASopathy. Also called: rasopathies; Noonan spectrum disorder. Identifiers: Orphanet 536391, MedGen C5555857, MONDO:0021060.

Submission:

Labcorp Genetics (formerly Invitae), Labcorp
Classification: Uncertain significance for RASopathy. Last evaluated: 2024-08-05. Review status: criteria provided, single submitter. Criteria: Invitae Variant Classification Sherloc (09022015). Collection method: clinical testing. Allele origin: germline.
Comment: This sequence change replaces isoleucine, which is neutral and non-polar, with phenylalanine, which is neutral and non-polar, at codon 84 of the CBL protein (p.Ile84Phe). This variant is not present in population databases (gnomAD no frequency). This variant has not been reported in the literature in individuals affected with CBL-related conditions. Advanced modeling of protein sequence and biophysical properties (such as structural, functional, and spatial information, amino acid conservation, physicochemical variation, residue mobility, and thermodynamic stability) has been performed at Invitae for this missense variant, however the output from this modeling did not meet the statistical confidence thresholds required to predict the impact of this variant on CBL protein function. In summary, the available evidence is currently insufficient to determine the role of this variant in disease. Therefore, it has been classified as a Variant of Uncertain Significance.

NM_005188.4(CBL):c.250A>T (p.Ile84Phe)

Gene: CBL (Cbl proto-oncogene; plus strand). Cytogenetic location: 11q23.3.
Variant type: single nucleotide variant.
Coding change: c.250A>T on transcript NM_005188.4 (MANE Select); coding-DNA position 250, A replaced by T.
Protein change: p.Ile84Phe; replaces isoleucine 84 with phenylalanine.
Molecular consequence: missense variant.
Genome position (GRCh38, 1-based): chr11:119,232,502, A>T. VCF-style: chr11-119232502-A-T. GRCh37 (hg19) VCF-style: chr11-119103212-A-T.
Other names: short protein forms I84F.
Identifiers: ClinVar variation 3634373 (VCV003634373.2).